The following is an entry in ClinVar:

ClinVar aggregate classification (germline): Uncertain significance. Review status: criteria provided, multiple submitters, no conflicts (2 of 4 stars). 2 submissions from 2 submitters: Uncertain significance (2). Last evaluated 2025-09-11.

Conditions:
Inborn genetic diseases. Identifiers: MedGen C0950123, MeSH D030342.
Fanconi anemia (FA). Also called: Fanconi's anemia. Identifiers: Orphanet 84, MedGen C0015625, MeSH D005199, MONDO:0019391.

Submissions (2):

Labcorp Genetics (formerly Invitae), Labcorp
Classification: Uncertain significance for Fanconi anemia. Last evaluated: 2025-09-11. Review status: criteria provided, single submitter. Criteria: Invitae Variant Classification Sherloc (09022015). Collection method: clinical testing. Allele origin: germline.
Comment: This sequence change replaces glutamine, which is neutral and polar, with proline, which is neutral and non-polar, at codon 719 of the SLX4 protein (p.Gln719Pro). This variant is present in population databases (rs781006346, gnomAD 0.007%). This variant has not been reported in the literature in individuals affected with SLX4-related conditions. ClinVar contains an entry for this variant (Variation ID: 3958318). An algorithm developed to predict the effect of missense changes on protein structure and function (PolyPhen-2) suggests that this variant is likely to be disruptive. In summary, the available evidence is currently insufficient to determine the role of this variant in disease. Therefore, it has been classified as a Variant of Uncertain Significance.

Ambry Genetics
Classification: Uncertain significance for Inborn genetic diseases. Last evaluated: 2025-05-16. Review status: criteria provided, single submitter. Criteria: Ambry Variant Classification Scheme 2023. Collection method: clinical testing. Allele origin: germline.

NM_032444.4(SLX4):c.2156A>C (p.Gln719Pro)

Gene: SLX4 (SLX4 structure-specific endonuclease subunit; minus strand). Cytogenetic location: 16p13.3.
Variant type: single nucleotide variant.
Coding change: c.2156A>C on transcript NM_032444.4 (MANE Select); coding-DNA position 2156, A replaced by C.
Protein change: p.Gln719Pro; replaces glutamine 719 with proline.
Molecular consequence: missense variant.
Genome position (GRCh38, 1-based): chr16:3,594,457, T>G on the plus strand (A>C on the coding strand, the complement: SLX4 is on the minus strand). VCF-style: chr16-3594457-T-G. GRCh37 (hg19) VCF-style: chr16-3644458-T-G.
Other names: short protein forms Q719P.
Identifiers: ClinVar variation 3958318 (VCV003958318.2).